The following is an entry in ClinVar:

NM_014264.5(PLK4):c.419C>G (p.Ser140Cys)

Gene: PLK4 (polo like kinase 4; plus strand). Cytogenetic location: 4q28.1.
Variant type: single nucleotide variant.
Coding change: c.419C>G on transcript NM_014264.5 (MANE Select); coding-DNA position 419, C replaced by G.
Protein change: p.Ser140Cys; replaces serine 140 with cysteine.
Molecular consequence: missense variant.
Genome position (GRCh38, 1-based): chr4:127,885,789, C>G. VCF-style: chr4-127885789-C-G. GRCh37 (hg19) VCF-style: chr4-128806944-C-G.
Other names: c.323C>G, p.Ser108Cys (NM_001190799.2); c.296C>G, p.Ser99Cys (NM_001190801.2); short protein forms S140C, S99C, S108C.
Identifiers: ClinVar variation 1058617 (VCV001058617.2), dbSNP rs768708568, ClinGen allele CA3076577.

ClinVar aggregate classification (germline): Uncertain significance (1 of 4 stars; one submission).

Allele frequency attached by ClinVar (database versions not stated): gnomAD exomes below 0.00001; ExAC 0.00001.
gnomAD v4.1: 3 of 1,613,904 alleles (0.00019%); highest among the groups gnomAD compares: South Asian, 0.0011%; no homozygotes.

Submission:

Labcorp Genetics (formerly Invitae), Labcorp
Classification: Uncertain significance. Last evaluated: 2021-09-01. Review status: criteria provided, single submitter. Criteria: Invitae Variant Classification Sherloc (09022015). Collection method: clinical testing. Allele origin: germline.
Comment: This sequence change replaces serine with cysteine at codon 140 of the PLK4 protein (p.Ser140Cys). The serine residue is highly conserved and there is a moderate physicochemical difference between serine and cysteine. This variant is present in population databases (rs768708568, ExAC 0.006%). This variant has not been reported in the literature in individuals affected with PLK4-related conditions. Algorithms developed to predict the effect of missense changes on protein structure and function (SIFT, PolyPhen-2, Align-GVGD) all suggest that this variant is likely to be disruptive. In summary, the available evidence is currently insufficient to determine the role of this variant in disease. Therefore, it has been classified as a Variant of Uncertain Significance.